The following is an entry in ClinVar:

NM_001943.5(DSG2):c.3143_3160dup (p.Glu1048_Pro1053dup)

Genes: DSG2 (desmoglein 2; plus strand), DSG2-AS1 (DSG2 antisense RNA 1; minus strand). Cytogenetic location: 18q12.1.
Variant type: Duplication.
Coding change: c.3143_3160dup on transcript NM_001943.5 (MANE Select); coding-DNA positions 3143 to 3160, 18 bases duplicated (AAAGAGTTCTAGCACCTG).
Protein change: p.Glu1048_Pro1053dup.
Molecular consequence: inframe insertion.
Genome position (GRCh38, 1-based): chr18:31,546,529-31,546,546, AAAGAGTTCTAGCACCTG duplicated; duplicating any 18 consecutive bases within chr18:31,546,528-31,546,546 gives the same sequence; the c. name uses the placement nearest the transcript's 3' end. VCF-style (leftmost placement, unchanged base first): chr18-31546527-A-AGAAAGAGTTCTAGCACCT. GRCh37 (hg19) VCF-style: chr18-29126490-A-AGAAAGAGTTCTAGCACCT.
Identifiers: ClinVar variation 1204755 (VCV001204755.10), dbSNP rs1319078257, ClinGen allele CA629453714.

ClinVar aggregate classification (germline): Uncertain significance. Review status: criteria provided, multiple submitters, no conflicts (2 of 4 stars). 5 submissions from 5 submitters: Uncertain significance (5). Last evaluated 2025-10-15.

Conditions:
Arrhythmogenic right ventricular cardiomyopathy (ARVD). Also called: Arrhythmogenic right ventricular dysplasia; Cardiomyopathy, ARVC; Arrhythmogenic cardiomyopathy; Arrhythmogenic Right Ventricular Cardiomyopathy (ARVC). Identifiers: Orphanet 247, MedGen C0349788, MeSH D019571, MONDO:0016587. Disease mechanism: loss of function. Inheritance: Various modes of inheritance.
Arrhythmogenic right ventricular dysplasia 10. Also called: Arrhythmogenic Right Ventricular Dysplasia/Cardiomyopathy10; ARRHYTHMOGENIC RIGHT VENTRICULAR DYSPLASIA, FAMILIAL, 10; Arrhythmogenic right ventricular dysplasia/cardiomyopathy, type 10. Identifiers: MedGen C1857777, MONDO:0012434, OMIM 610193.
Cardiovascular phenotype. Identifiers: MedGen CN230736.

Submissions (5):

Labcorp Genetics (formerly Invitae), Labcorp
Classification: Uncertain significance for Arrhythmogenic right ventricular dysplasia 10. Last evaluated: 2025-10-15. Review status: criteria provided, single submitter. Criteria: Invitae Variant Classification Sherloc (09022015). Collection method: clinical testing. Allele origin: germline.
Comment: This variant, c.3143_3160dup, results in the insertion of 6 amino acid(s) of the DSG2 protein (p.Glu1048_Pro1053dup), but otherwise preserves the integrity of the reading frame. This variant is present in population databases (no rsID available, gnomAD 0.003%). This variant has not been reported in the literature in individuals affected with DSG2-related conditions. ClinVar contains an entry for this variant (Variation ID: 1204755). In summary, the available evidence is currently insufficient to determine the role of this variant in disease. Therefore, it has been classified as a Variant of Uncertain Significance.

All of Us Research Program, National Institutes of Health
Classification: Uncertain significance for Arrhythmogenic right ventricular cardiomyopathy. Last evaluated: 2023-12-13. Review status: criteria provided, single submitter. Criteria: ACMG Guidelines, 2015. Collection method: clinical testing. Allele origin: germline. Inheritance: Autosomal dominant inheritance. Observed: 1 variant allele, 1 heterozygote.
Comment: This variant causes an in-frame duplication of six amino acids in the DSG2 protein. To our knowledge, functional studies have not been reported for this variant. This variant has not been reported in individuals affected with cardiovascular disorders in the literature. This variant has been identified in 3/249456 chromosomes in the general population by the Genome Aggregation Database (gnomAD). The available evidence is insufficient to determine the role of this variant in disease conclusively. Therefore, this variant is classified as a Variant of Uncertain Significance.

This study involves interpretation of variants in research participants for the purpose of population health screening. Participant phenotype was not available at the time of variant classification. Additional details can be found in publication PMID: 35346344, PMCID: PMC8962531

Blueprint Genetics
Classification: Uncertain significance. Last evaluated: 2022-08-01. Review status: criteria provided, single submitter. Criteria: ACMG Guidelines, 2015. Collection method: clinical testing. Allele origin: germline.

Ambry Genetics
Classification: Uncertain significance for Cardiovascular phenotype. Last evaluated: 2021-05-01. Review status: criteria provided, single submitter. Criteria: Ambry Variant Classification Scheme 2023. Collection method: clinical testing. Allele origin: germline.
Comment: The c.3143_3160dup18 variant (also known as p.E1048_P1053dup), located in coding exon 15 of the DSG2 gene, results from an in-frame duplication of 18 nucleotides at nucleotide positions 3143 to 3160. This results in the duplication of 6 extra residues (ERVLAP) between codons 1048 and 1053. This amino acid region is well conserved in available vertebrate species. In addition, the in silico prediction for this alteration is inconclusive (Choi Y et al. PLoS ONE. 2012; 7(10):e46688). Since supporting evidence is limited at this time, the clinical significance of this alteration remains unclear.

GeneDx
Classification: Uncertain significance. Last evaluated: 2020-11-11. Review status: criteria provided, single submitter. Criteria: GeneDx Variant Classification Process June 2021. Collection method: clinical testing. Allele origin: germline. Affected: yes.
Comment: Has not been previously published as pathogenic or benign to our knowledge; Not observed in large population cohorts (Lek et al., 2016); In-frame duplication of six amino acids in a non-repeat region